The following is an entry in ClinVar:

ClinVar aggregate classification (germline): Likely benign. Review status: criteria provided, multiple submitters, no conflicts (2 of 4 stars). 2 submissions from 2 submitters: Likely benign (2). Last evaluated 2026-01-04.

Conditions:
Familial adenomatous polyposis 1 (FAP1). Also called: FAMILIAL ADENOMATOUS POLYPOSIS 1, ATTENUATED; POLYPOSIS, ADENOMATOUS INTESTINAL. Identifiers: MedGen C2713442, MONDO:0021056, OMIM 175100. Disease mechanism: loss of function.

Allele frequency attached by ClinVar (database versions not stated): gnomAD exomes below 0.00001.
gnomAD v4.1: 1 of 1,601,230 alleles (0.000062%); highest among the groups gnomAD compares: Admixed American, 0.0017%; no homozygotes.

Submissions (2):

Labcorp Genetics (formerly Invitae), Labcorp
Classification: Likely benign for Familial adenomatous polyposis 1. Last evaluated: 2026-01-04. Review status: criteria provided, single submitter. Criteria: Invitae Variant Classification Sherloc (09022015). Collection method: clinical testing. Allele origin: germline.

Myriad Genetics, Inc.
Classification: Likely benign for Familial adenomatous polyposis 1. Last evaluated: 2024-03-08. Review status: criteria provided, single submitter. Criteria: Myriad Autosomal Dominant, Autosomal Recessive and X-Linked Classification Criteria (2023). Collection method: clinical testing. Allele origin: unknown.
Comment: This variant is considered likely benign. This variant is intronic and is not expected to impact mRNA splicing.

NM_000038.6(APC):c.1959-16C>T

Gene: APC (APC regulator of Wnt signaling pathway; plus strand). Cytogenetic location: 5q22.2.
Variant type: single nucleotide variant.
Coding change: c.1959-16C>T on transcript NM_000038.6 (MANE Select); 16 bases into the intron before coding-DNA position 1959, C replaced by T.
Molecular consequence: intron variant.
Genome position (GRCh38, 1-based): chr5:112,837,537, C>T. VCF-style: chr5-112837537-C-T. GRCh37 (hg19) VCF-style: chr5-112173234-C-T.
Other names: c.1959-16C>T (NM_001354895.2, NM_001127510.3); c.1989-16C>T (NM_001354897.2); c.1686-16C>T (NM_001354902.2); c.1905-16C>T (NM_001127511.3); c.1884-16C>T (NM_001354898.2); c.1581-16C>T (NM_001354904.2); c.1110-16C>T (NM_001354906.2); c.2013-16C>T (NM_001354896.2); and 5 more.
Identifiers: ClinVar variation 1536918 (VCV001536918.9), dbSNP rs1193952212, ClinGen allele CA561900911.
Genomic context (GRCh38, chr5:112,837,537, plus strand): 5'-GTCTTCTATCCTTTTATTTGTTGTTACTGCATACACATTGTGACCTTAATTTTGTGATCT[C>T]TTGATTTTATTTCAGGCAAATCCTAAGAGAGAACAACTGTCTACAAACTTTATTACAACA-3'